The following is an entry in ClinVar:

ClinVar aggregate classification (germline): Benign (1 of 4 stars; one submission).

Allele frequency attached by ClinVar (database versions not stated): gnomAD 0.02215 and 0.02247; TOPMed 0.02499; 1000 Genomes Project 0.03235; 1000 Genomes Project 30x 0.03373.

Submission:

GeneDx
Classification: Benign. Last evaluated: 2018-06-14. Review status: criteria provided, single submitter. Criteria: GeneDx Variant Classification (06012015). Collection method: clinical testing. Allele origin: germline. Affected: yes.
Comment: This variant is considered likely benign or benign based on one or more of the following criteria: it is a conservative change, it occurs at a poorly conserved position in the protein, it is predicted to be benign by multiple in silico algorithms, and/or has population frequency not consistent with disease.

NM_001985.3(ETFB):c.376-179G>A

Gene: ETFB (electron transfer flavoprotein subunit beta; minus strand). Cytogenetic location: 19q13.41.
Variant type: single nucleotide variant.
Coding change: c.376-179G>A on transcript NM_001985.3 (MANE Select); 179 bases into the intron before coding-DNA position 376, G replaced by A.
Molecular consequence: intron variant.
Genome position (GRCh38, 1-based): chr19:51,350,570, C>T on the plus strand (G>A on the coding strand, the complement: ETFB is on the minus strand). VCF-style: chr19-51350570-C-T. GRCh37 (hg19) VCF-style: chr19-51853824-C-T.
Other names: c.649-179G>A (NM_001014763.1).
Identifiers: ClinVar variation 680120 (VCV000680120.1), dbSNP rs113598618, ClinGen allele CA309731788.
Genomic context (GRCh38, chr19:51,350,570, plus strand): 5'-AGTCTTGCTCTGTCACCCAGGCTGGAGTGCAATGGTACAATCTTGGCTCACTGCAACCTC[C>T]GCCTCTTGGGTTCAAGCAATTCTCCTGCCTCAGCCTCCTGAGTAGCTGGGATTACAGGCA-3'